The following is an entry in ClinVar:

ClinVar aggregate classification (germline): Pathogenic. Review status: criteria provided, multiple submitters, no conflicts (2 of 4 stars). 2 submissions from 2 submitters: Pathogenic (2). Last evaluated 2023-10-18.

Conditions:
Joubert syndrome 17 (JBTS17). Identifiers: Orphanet 475, MedGen C3553264, MONDO:0013824, OMIM 614615.

Submissions (2):

Labcorp Genetics (formerly Invitae), Labcorp
Classification: Pathogenic. Last evaluated: 2023-10-18. Review status: criteria provided, single submitter. Criteria: Invitae Variant Classification Sherloc (09022015). Collection method: clinical testing. Allele origin: germline.
Comment: This sequence change creates a premature translational stop signal (p.Val2090Alafs*15) in the CPLANE1 gene. It is expected to result in an absent or disrupted protein product. Loss-of-function variants in CPLANE1 are known to be pathogenic (PMID: 24178751, 26092869). This variant is not present in population databases (gnomAD no frequency). This premature translational stop signal has been observed in individual(s) with Joubert syndrome (PMID: 26092869). ClinVar contains an entry for this variant (Variation ID: 217579). For these reasons, this variant has been classified as Pathogenic.

UW Hindbrain Malformation Research Program, University of Washington
Classification: Pathogenic for Joubert syndrome 17. Last evaluated: 2015-02-23. Review status: criteria provided, single submitter. Criteria: Bachmann-Gagescu et al. (J Med Genet. 2015). Collection method: research. Allele origin: unknown. Affected: yes.

Literature cited by the submitters: PubMed 24178751 (cited by Labcorp Genetics (formerly Invitae), Labcorp); PubMed 26092869 (cited by Labcorp Genetics (formerly Invitae), Labcorp).

NM_001384732.1(CPLANE1):c.6269_6270del (p.Val2090fs)

Gene: CPLANE1 (ciliogenesis and planar polarity effector complex subunit 1; minus strand). Cytogenetic location: 5p13.2.
Variant type: Microsatellite.
Coding change: c.6269_6270del on transcript NM_001384732.1 (MANE Select); coding-DNA positions 6269 to 6270, 2 bases deleted (TG; older notation c.6269_6270delTG).
Protein change: p.Val2090fs; shifts the reading frame from valine 2090.
Molecular consequence: frameshift variant.
Genome position (GRCh38, 1-based): chr5:37,170,233-37,170,234, CA deleted on the plus strand (TG on the coding strand, the reverse complement: CPLANE1 is on the minus strand); deleting any 2 consecutive bases within chr5:37,170,233-37,170,236 gives the same sequence; the c. name uses the placement nearest the transcript's 3' end. VCF-style (leftmost placement, unchanged base first): chr5-37170232-GCA-G. GRCh37 (hg19) VCF-style: chr5-37170334-GCA-G.
Other names: c.6269_6270del, p.Val2090fs (NM_023073.4); c.6269_6270delTG (NM_023073.3); short protein forms V2090fs.
Identifiers: ClinVar variation 217579 (VCV000217579.4), dbSNP rs768675259, ClinGen allele CA277731.